The following is an entry in ClinVar:

NM_153704.6(TMEM67):c.1621_1622del (p.Leu541fs)

Gene: TMEM67 (transmembrane protein 67; plus strand). Cytogenetic location: 8q22.1.
Variant type: Deletion.
Coding change: c.1621_1622del on transcript NM_153704.6 (MANE Select); coding-DNA positions 1621 to 1622, 2 bases deleted (TT; older notation c.1621_1622delTT).
Protein change: p.Leu541fs; shifts the reading frame from leucine 541.
Molecular consequence: frameshift variant. On other transcripts: non-coding transcript variant (1).
Genome position (GRCh38, 1-based): chr8:93,793,243-93,793,244, TT deleted; deleting any 2 consecutive bases within chr8:93,793,241-93,793,244 gives the same sequence; the c. name uses the placement nearest the transcript's 3' end. VCF-style (leftmost placement, unchanged base first): chr8-93793240-CTT-C. GRCh37 (hg19) VCF-style: chr8-94805468-CTT-C.
Other names: c.1378_1379del, p.Leu460fs (NM_001142301.1); short protein forms L541fs, L460fs.
Identifiers: ClinVar variation 2935735 (VCV002935735.3), dbSNP rs2536888411, ClinGen allele CA2740095096.

ClinVar aggregate classification (germline): Pathogenic (1 of 4 stars; one submission).

Conditions:
Joubert syndrome. Also called: CEREBELLOPARENCHYMAL DISORDER IV; JOUBERT-BOLTSHAUSER SYNDROME; Familial aplasia of the vermis. Identifiers: Orphanet 475, MedGen C5979921, MONDO:0018772.
Meckel-Gruber syndrome. Also called: DYSENCEPHALIA SPLANCHNOCYSTICA; GRUBER SYNDROME; Dysencephalia splachnocystica. Identifiers: Orphanet 564, MedGen C0265215, MONDO:0018921.

Submission:

Labcorp Genetics (formerly Invitae), Labcorp
Classification: Pathogenic for Joubert syndrome; Meckel-Gruber syndrome. Last evaluated: 2026-01-05. Review status: criteria provided, single submitter. Criteria: Invitae Variant Classification Sherloc (09022015). Collection method: clinical testing. Allele origin: germline.
Comment: This sequence change creates a premature translational stop signal (p.Leu541Glufs*15) in the TMEM67 gene. It is expected to result in an absent or disrupted protein product. Loss-of-function variants in TMEM67 are known to be pathogenic (PMID: 20232449, 23559409). This variant is not present in population databases (gnomAD no frequency). This variant has not been reported in the literature in individuals affected with TMEM67-related conditions. ClinVar contains an entry for this variant (Variation ID: 2935735). For these reasons, this variant has been classified as Pathogenic.

Literature cited by the submitters: PubMed 20232449; PubMed 23559409.